The following is an entry in ClinVar:

ClinVar aggregate classification (germline): Pathogenic (1 of 4 stars; one submission).

Conditions:
Multiple endocrine neoplasia, type 1 (MEN1). Also called: MEN I; WERMER SYNDROME; Endocrine adenomatosis multiple; MEN 1; MEA I. Identifiers: Orphanet 652, MedGen C0025267, MeSH D018761, MONDO:0007540, OMIM 131100.

Submission:

Labcorp Genetics (formerly Invitae), Labcorp
Classification: Pathogenic for Multiple endocrine neoplasia, type 1. Last evaluated: 2024-05-11. Review status: criteria provided, single submitter. Criteria: Invitae Variant Classification Sherloc (09022015). Collection method: clinical testing. Allele origin: germline.
Comment: This sequence change creates a premature translational stop signal (p.Glu473Glyfs*86) in the MEN1 gene. While this is not anticipated to result in nonsense mediated decay, it is expected to disrupt the last 138 amino acid(s) of the MEN1 protein. This variant is not present in population databases (gnomAD no frequency). This variant has not been reported in the literature in individuals affected with MEN1-related conditions. This variant disrupts a region of the MEN1 protein in which other variant(s) (p.Thr580Argfs*8) have been determined to be pathogenic (Invitae). This suggests that this is a clinically significant region of the protein, and that variants that disrupt it are likely to be disease-causing. For these reasons, this variant has been classified as Pathogenic.

NM_001370259.2(MEN1):c.1418del (p.Glu473fs)

Gene: MEN1 (menin 1; minus strand). Cytogenetic location: 11q13.1.
Variant type: Deletion.
Coding change: c.1418del on transcript NM_001370259.2 (MANE Select); coding-DNA position 1418, one base deleted (A; older notation c.1418delA).
Protein change: p.Glu473fs; shifts the reading frame from glutamic acid 473.
Molecular consequence: frameshift variant. On other transcripts: non-coding transcript variant (4).
Genome position (GRCh38, 1-based): chr11:64,804,749, T deleted on the plus strand (A on the coding strand, the reverse complement: MEN1 is on the minus strand). VCF-style (leftmost placement, unchanged base first): chr11-64804748-CT-C. GRCh37 (hg19) VCF-style: chr11-64572220-CT-C.
Other names: c.1253del, p.Glu418fs (NM_001407152.1); c.1418del, p.Glu473fs (NM_130799.3, NM_001370260.2, NM_001370261.2 and 2 more transcripts); c.1433del, p.Glu478fs (NM_130800.3, NM_130801.3, NM_130802.3 and 4 more transcripts); c.1544del, p.Glu515fs (NM_001370251.2, NM_001407142.1, NM_001407143.1 and 1 more transcripts); c.1313del, p.Glu438fs (NM_001370262.2, NM_001370263.2, NM_001407148.1 and 1 more transcripts); c.1559del, p.Glu520fs (NM_001407150.1); c.1439del, p.Glu480fs (NM_001407151.1); short protein forms E438fs, E473fs, E478fs, E515fs, E520fs, E480fs, E418fs.
Identifiers: ClinVar variation 3651971 (VCV003651971.2).
Genomic context (GRCh38, chr11:64,804,748, plus strand): 5'-CGGGGGCTCCTCTGGCTTGGACTCCCGCCGTGGGCCCCGCCGCCGGCCTTCCCGGGCTTC[CT>C]CGCCCCACGGCTCCTCGGCCTCGGCCGCCTCGGCCTCTCGGCTCACTATGCGCACCTTCT-3'